The following is an entry in ClinVar:

NM_015046.7(SETX):c.1669C>T (p.Arg557Ter)

Gene: SETX (senataxin; minus strand). Cytogenetic location: 9q34.13.
Variant type: single nucleotide variant.
Coding change: c.1669C>T on transcript NM_015046.7 (MANE Select); coding-DNA position 1669, C replaced by T.
Protein change: p.Arg557Ter; replaces arginine 557 with a stop codon.
Molecular consequence: nonsense.
Genome position (GRCh38, 1-based): chr9:132,329,929, G>A on the plus strand (C>T on the coding strand, the complement: SETX is on the minus strand). VCF-style: chr9-132329929-G-A. GRCh37 (hg19) VCF-style: chr9-135205316-G-A.
Other names: c.1669C>T, p.Arg557Ter (NM_001351527.2, NM_001351528.2); short protein forms R557*.
Identifiers: ClinVar variation 3896992 (VCV003896992.1).
Genomic context (GRCh38, chr9:132,329,929, plus strand): 5'-TCAACTGCCAACCTAGAGATAAATTTCCTCTAAGGAATAAGTTGAGCTTATCCCAGAATC[G>A]CTTGCAAAGAGACTGCTGCCCAAGCTGATAACCTTCTTTAAGGAGACTTCTAATCAGCTG-3'

ClinVar aggregate classification (germline): Uncertain significance (1 of 4 stars; one submission).

Conditions:
Amyotrophic lateral sclerosis type 4 (ALS4). Also called: NEURONOPATHY, DISTAL HEREDITARY MOTOR, WITH PYRAMIDAL FEATURES; AMYOTROPHIC LATERAL SCLEROSIS 4, JUVENILE. Identifiers: Orphanet 357043, MedGen C1865409, MONDO:0011223, OMIM 602433.

gnomAD v4.1: 1 of 1,614,144 alleles (0.000062%); highest among the groups gnomAD compares: Non-Finnish European, 0.000085%; no homozygotes.

Submission:

Kariminejad - Najmabadi Pathology & Genetics Center
Classification: Uncertain significance for Amyotrophic lateral sclerosis type 4. Last evaluated: 2024-01-09. Review status: criteria provided, single submitter. Criteria: ACMG Guidelines, 2015. Collection method: clinical testing. Allele origin: germline. Inheritance: Autosomal dominant inheritance. Affected: yes.
Comment: PVS1_Strong, PM2